The following is an entry in ClinVar:

NM_152564.5(VPS13B):c.9428C>G (p.Pro3143Arg)

Gene: VPS13B (vacuolar protein sorting 13 homolog B; plus strand). Cytogenetic location: 8q22.2.
Variant type: single nucleotide variant.
Coding change: c.9428C>G on transcript NM_152564.5 (MANE Select); coding-DNA position 9428, C replaced by G.
Protein change: p.Pro3143Arg; replaces proline 3143 with arginine.
Molecular consequence: missense variant.
Genome position (GRCh38, 1-based): chr8:99,832,466, C>G. VCF-style: chr8-99832466-C-G. GRCh37 (hg19) VCF-style: chr8-100844694-C-G.
Other names: c.9503C>G, p.Pro3168Arg (NM_017890.5); short protein forms P3143R, P3168R.
Identifiers: ClinVar variation 4983393 (VCV004983393.1).
Genomic context (GRCh38, chr8:99,832,466, plus strand): 5'-GCCCAGGTGGAGAGCAGCCTGCTATGAAATCCAGCTCCCTTCCTTGCTGGGACTTGATGC[C>G]TGACATCAGTCAGTCAGTACTGGATGCATCCCTGCTTCAGAAACAGATCATGCTGGGCTT-3'
Protein context (NP_689777.3, residues 3133-3153): SSSLPCWDLM[Pro3143Arg]DISQSVLDAS

ClinVar aggregate classification (germline): Uncertain significance (1 of 4 stars; one submission).

Conditions:
VPS13B-related disorder. Also called: VPS13B-related condition.

gnomAD v4.1: 12 of 1,610,988 alleles (0.00074%); highest among the groups gnomAD compares: Non-Finnish European, 0.001%; no homozygotes.

Submission:

PreventionGenetics, part of Exact Sciences
Classification: Uncertain significance for VPS13B-related condition. Last evaluated: 2025-10-07. Review status: criteria provided, single submitter. Criteria: ACMG Guidelines, 2015. Collection method: clinical testing. Allele origin: germline.
Comment: The VPS13B c.9428C>G variant is predicted to result in the amino acid substitution p.Pro3143Arg. To our knowledge, this variant has not been reported in the literature or in a large population database (gnomAD), indicating this variant is rare. At this time, the clinical significance of this variant is uncertain due to the absence of conclusive functional and genetic evidence.